The following is an entry in ClinVar:

NM_000550.3(TYRP1):c.565G>C (p.Val189Leu)

Gene: TYRP1 (tyrosinase related protein 1; plus strand). Cytogenetic location: 9p23.
Variant type: single nucleotide variant.
Coding change: c.565G>C on transcript NM_000550.3 (MANE Select); coding-DNA position 565, G replaced by C.
Protein change: p.Val189Leu; replaces valine 189 with leucine.
Molecular consequence: missense variant.
Genome position (GRCh38, 1-based): chr9:12,695,694, G>C. VCF-style: chr9-12695694-G-C. GRCh37 (hg19) VCF-style: chr9-12695694-G-C.
Other names: short protein forms V189L.
Identifiers: ClinVar variation 1058141 (VCV001058141.6), dbSNP rs149324507, ClinGen allele CA4985256.

ClinVar aggregate classification (germline): Uncertain significance (1 of 4 stars; one submission).

Allele frequency attached by ClinVar (database versions not stated): gnomAD exomes below 0.00001 and 0.00002; ExAC 0.00001; TOPMed 0.00006; gnomAD 0.00008 and 0.00009; ESP Exome Variant Server 0.00015.
gnomAD v4.1: 16 of 1,614,026 alleles (0.00099%); highest among the groups gnomAD compares: African/African-American, 0.02%; no homozygotes.

Submission:

Labcorp Genetics (formerly Invitae), Labcorp
Classification: Uncertain significance. Last evaluated: 2022-03-19. Review status: criteria provided, single submitter. Criteria: Invitae Variant Classification Sherloc (09022015). Collection method: clinical testing. Allele origin: germline.
Comment: This sequence change replaces valine, which is neutral and non-polar, with leucine, which is neutral and non-polar, at codon 189 of the TYRP1 protein (p.Val189Leu). This variant is present in population databases (rs149324507, gnomAD 0.02%). This missense change has been observed in individual(s) with oculocutaneous albinism (Invitae). In at least one individual the data is consistent with being in trans (on the opposite chromosome) from a pathogenic variant. ClinVar contains an entry for this variant (Variation ID: 1058141). Algorithms developed to predict the effect of missense changes on protein structure and function are either unavailable or do not agree on the potential impact of this missense change (SIFT: "Deleterious"; PolyPhen-2: "Probably Damaging"; Align-GVGD: "Class C0"). This variant disrupts the p.Val189 amino acid residue in TYRP1. Other variant(s) that disrupt this residue have been observed in individuals with TYRP1-related conditions (PMID: 26785811), which suggests that this may be a clinically significant amino acid residue. In summary, the available evidence is currently insufficient to determine the role of this variant in disease. Therefore, it has been classified as a Variant of Uncertain Significance.

Literature cited by the submitters: PubMed 26785811.